The following is an entry in ClinVar:

NM_006648.4(WNK2):c.3818C>T (p.Pro1273Leu)

Gene: WNK2 (WNK lysine deficient protein kinase 2; plus strand). Cytogenetic location: 9q22.31.
Variant type: single nucleotide variant.
Coding change: c.3818C>T on transcript NM_006648.4 (MANE Select); coding-DNA position 3818, C replaced by T.
Protein change: p.Pro1273Leu; replaces proline 1273 with leucine.
Molecular consequence: missense variant.
Genome position (GRCh38, 1-based): chr9:93,267,867, C>T. VCF-style: chr9-93267867-C-T. GRCh37 (hg19) VCF-style: chr9-96030149-C-T.
Other names: c.3818C>T, p.Pro1273Leu (NM_001282394.3); short protein forms P1273L.
Identifiers: ClinVar variation 4844881 (VCV004844881.1).

ClinVar aggregate classification (germline): Uncertain significance (1 of 4 stars; one submission).

Submission:

Ambry Genetics
Classification: Uncertain significance. Last evaluated: 2026-01-25. Review status: criteria provided, single submitter. Criteria: Ambry Variant Classification Scheme 2023. Collection method: clinical testing. Allele origin: germline.
Comment: The p.P1273L variant (also known as c.3818C>T), located in coding exon 16 of the WNK2 gene, results from a C to T substitution at nucleotide position 3818. The proline at codon 1273 is replaced by leucine, an amino acid with similar properties. This amino acid position is conserved. In addition, this alteration is predicted to be tolerated by in silico analysis. Based on the available evidence, the clinical significance of this variant remains unclear.